The following is an entry in ClinVar:

NM_001360.3(DHCR7):c.567T>A (p.Tyr189Ter)

Gene: DHCR7 (7-dehydrocholesterol reductase; minus strand). Cytogenetic location: 11q13.4.
Variant type: single nucleotide variant.
Coding change: c.567T>A on transcript NM_001360.3 (MANE Select); coding-DNA position 567, T replaced by A.
Protein change: p.Tyr189Ter; replaces tyrosine 189 with a stop codon.
Molecular consequence: nonsense.
Genome position (GRCh38, 1-based): chr11:71,441,286, A>T on the plus strand (T>A on the coding strand, the complement: DHCR7 is on the minus strand). VCF-style: chr11-71441286-A-T. GRCh37 (hg19) VCF-style: chr11-71152332-A-T.
Other names: c.567T>A, p.Tyr189Ter (NM_001163817.2); short protein forms Y189*.
Identifiers: ClinVar variation 1724668 (VCV001724668.2), dbSNP rs2539227728, ClinGen allele CA381694407.
Genomic context (GRCh38, chr11:71,441,286, plus strand): 5'-CCAGTCTCTGGCGCTGGTGGGGAAGAAGTAGCCCTTGACCATGGCGAAGGTGGAGACGGC[A>T]TAGCCAAGGATGTTGGCGCACCACAGCAGTGGGATCCAGTTGTCGAAGATGATGGTGGGC-3'

ClinVar aggregate classification (germline): Likely pathogenic (1 of 4 stars; one submission).

Conditions:
Smith-Lemli-Opitz syndrome (SLOS). Also called: LETHAL ACRODYSGENITAL SYNDROME; POLYDACTYLY, SEX REVERSAL, RENAL HYPOPLASIA, AND UNILOBAR LUNG; RSH SYNDROME; RUTLEDGE LETHAL MULTIPLE CONGENITAL ANOMALY SYNDROME; 7-Dehydrocholesterol reductase deficiency. Identifiers: Orphanet 818, MedGen C0175694, MONDO:0010035, OMIM 270400.

Submission:

Myriad Genetics, Inc.
Classification: Likely pathogenic for Smith-Lemli-Opitz syndrome. Last evaluated: 2022-02-25. Review status: criteria provided, single submitter. Criteria: Myriad Women's Health Autosomal Recessive and X-Linked Classification Criteria (2021). Collection method: clinical testing. Allele origin: unknown.
Comment: NM_001360.2(DHCR7):c.567T>A(Y189*) is expected to be pathogenic in the context of Smith-Lemli-Opitz syndrome. This variant is predicted to lead to an abnormal or absent protein product due to the creation of a premature termination codon in DHCR7, a gene where loss-of-function variants are known to be pathogenic. Please note: this variant was assessed in the context of healthy population screening.